The following is an entry in ClinVar:

NM_000051.4(ATM):c.110C>T (p.Pro37Leu)

Gene: ATM (ATM serine/threonine kinase; plus strand). Cytogenetic location: 11q22.3.
Variant type: single nucleotide variant.
Coding change: c.110C>T on transcript NM_000051.4 (MANE Select); coding-DNA position 110, C replaced by T.
Protein change: p.Pro37Leu; replaces proline 37 with leucine.
Molecular consequence: missense variant.
Genome position (GRCh38, 1-based): chr11:108,227,813, C>T. VCF-style: chr11-108227813-C-T. GRCh37 (hg19) VCF-style: chr11-108098540-C-T.
Other names: c.110C>T, p.Pro37Leu (NM_001351834.2, NM_001351835.2, NM_001351836.2); short protein forms P37L.
Identifiers: ClinVar variation 822181 (VCV000822181.4), dbSNP rs1591446947, ClinGen allele CA382519797.

ClinVar aggregate classification (germline): Uncertain significance. Review status: criteria provided, multiple submitters, no conflicts (2 of 4 stars). 2 submissions from 2 submitters: Uncertain significance (2). Last evaluated 2025-02-11.

Conditions:
Hereditary cancer-predisposing syndrome. Also called: Hereditary Cancer Syndrome; Neoplastic Syndromes, Hereditary; Hereditary neoplastic syndrome; Tumor predisposition. Identifiers: Orphanet 140162, MedGen C0027672, MeSH D009386, MONDO:0015356.
Ataxia-telangiectasia syndrome (AT). Also called: Cerebello-oculocutaneous telangiectasia; Immunodeficiency with ataxia telangiectasia; Ataxia-telangiectasia, complementation group E; Ataxia-telangiectasia, complementation group D; AT, COMPLEMENTATION GROUP C; ATAXIA-TELANGIECTASIA, COMPLEMENTATION GROUP A. Identifiers: Orphanet 100, MedGen C0004135, MONDO:0008840, OMIM 208900.

Submissions (2):

Labcorp Genetics (formerly Invitae), Labcorp
Classification: Uncertain significance for Ataxia-telangiectasia syndrome. Last evaluated: 2025-02-11. Review status: criteria provided, single submitter. Criteria: Invitae Variant Classification Sherloc (09022015). Collection method: clinical testing. Allele origin: germline.
Comment: This sequence change replaces proline, which is neutral and non-polar, with leucine, which is neutral and non-polar, at codon 37 of the ATM protein (p.Pro37Leu). This variant is not present in population databases (gnomAD no frequency). This variant has not been reported in the literature in individuals affected with ATM-related conditions. ClinVar contains an entry for this variant (Variation ID: 822181). Invitae Evidence Modeling of protein sequence and biophysical properties (such as structural, functional, and spatial information, amino acid conservation, physicochemical variation, residue mobility, and thermodynamic stability) indicates that this missense variant is not expected to disrupt ATM protein function with a negative predictive value of 95%. In summary, the available evidence is currently insufficient to determine the role of this variant in disease. Therefore, it has been classified as a Variant of Uncertain Significance.

Ambry Genetics
Classification: Uncertain significance for Hereditary cancer-predisposing syndrome. Last evaluated: 2018-10-10. Review status: criteria provided, single submitter. Criteria: Ambry Variant Classification Scheme 2023. Collection method: clinical testing. Allele origin: germline.
Comment: The p.P37L variant (also known as c.110C>T), located in coding exon 2 of the ATM gene, results from a C to T substitution at nucleotide position 110. The proline at codon 37 is replaced by leucine, an amino acid with similar properties. This amino acid position is well conserved in available vertebrate species. In addition, this alteration is predicted to be tolerated by in silico analysis. Since supporting evidence is limited at this time, the clinical significance of this alteration remains unclear.